The following is an entry in ClinVar:

NM_001372066.1(TFAP2A):c.382G>A (p.Asp128Asn)

Gene: TFAP2A (transcription factor AP-2 alpha; minus strand). Cytogenetic location: 6p24.3.
Variant type: single nucleotide variant.
Coding change: c.382G>A on transcript NM_001372066.1 (MANE Select); coding-DNA position 382, G replaced by A.
Protein change: p.Asp128Asn; replaces aspartic acid 128 with asparagine.
Molecular consequence: missense variant.
Genome position (GRCh38, 1-based): chr6:10,410,005, C>T on the plus strand (G>A on the coding strand, the complement: TFAP2A is on the minus strand). VCF-style: chr6-10410005-C-T. GRCh37 (hg19) VCF-style: chr6-10410238-C-T.
Other names: NM_003220.2:c.376G>A; c.358G>A, p.Asp120Asn (NM_001032280.3); c.364G>A, p.Asp122Asn (NM_001042425.3); short protein forms D120N, D122N, D128N.
Identifiers: ClinVar variation 4998593 (VCV004998593.1).
Genomic context (GRCh38, chr6:10,410,005, plus strand): 5'-CTCCGAGTCCTGAGCTGAGCGCGTGTGGGCCGTGCAGGAGGTCCTCGTGCCGCCTGTAGT[C>T]CCTGCGAGGATCCAGGCCCGACAGCTGGTGAGGCAGCCCCCGGTGCGTGTGCAGGAGCCC-3'
Protein context (NP_001358995.1, residues 118-138): HQLSGLDPRR[Asp128Asn]YRRHEDLLHG

ClinVar aggregate classification (germline): Uncertain significance (1 of 4 stars; one submission).

Conditions:
TFAP2A-related disorder. Also called: TFAP2A-related condition.

gnomAD v4.1: 1 of 1,611,116 alleles (0.000062%); highest among the groups gnomAD compares: Non-Finnish European, 0.000085%; no homozygotes.

Submission:

PreventionGenetics, part of Exact Sciences
Classification: Uncertain significance for TFAP2A-related condition. Last evaluated: 2024-11-04. Review status: criteria provided, single submitter. Criteria: ACMG Guidelines, 2015. Collection method: clinical testing. Allele origin: germline.
Comment: The TFAP2A c.376G>A variant is predicted to result in the amino acid substitution p.Asp126Asn. To our knowledge, this variant has not been reported in the literature or in a large population database (gnomAD), indicating this variant is rare. This variant is also known as c.382G>A (p.Asp128Asn) on another transcript NM_001372066. At this time, the clinical significance of this variant is uncertain due to the absence of conclusive functional and genetic evidence.